The following is an entry in ClinVar:

ClinVar aggregate classification (germline): Likely benign. Review status: criteria provided, multiple submitters, no conflicts (2 of 4 stars). 4 submissions from 4 submitters: Likely benign (4). Last evaluated 2025-02-09.

Conditions:
Emery-Dreifuss muscular dystrophy 4, autosomal dominant (EDMD4). Also called: EMERY-DREIFUSS MUSCULAR DYSTROPHY 4 WITH VARIABLE FEATURES. Identifiers: Orphanet 261, MedGen C2751807, MONDO:0013071, OMIM 612998.
Autosomal recessive ataxia, Beauce type. Also called: Spinocerebellar ataxia, autosomal recessive 8; SYNE1-Related Autosomal Recessive Cerebellar Ataxia; SYNE1 Deficiency; ATAXIA, RECESSIVE, OF BEAUCE. Identifiers: Orphanet 88644, MedGen C1853116, MONDO:0012549, OMIM 610743.

Allele frequency attached by ClinVar (database versions not stated): gnomAD exomes 0.00004; TOPMed 0.00006; ExAC 0.00007; gnomAD 0.00008; ESP Exome Variant Server 0.00023.
gnomAD v4.1: 65 of 1,614,048 alleles (0.004%); highest among the groups gnomAD compares: Non-Finnish European, 0.005%; no homozygotes.

Submissions (4):

Labcorp Genetics (formerly Invitae), Labcorp
Classification: Likely benign for Emery-Dreifuss muscular dystrophy 4, autosomal dominant; Autosomal recessive ataxia, Beauce type. Last evaluated: 2025-02-09. Review status: criteria provided, single submitter. Criteria: Invitae Variant Classification Sherloc (09022015). Collection method: clinical testing. Allele origin: germline.

CeGaT Center for Human Genetics Tuebingen
Classification: Likely benign. Last evaluated: 2024-04-01. Review status: criteria provided, single submitter. Criteria: CeGaT Center For Human Genetics Tuebingen Variant Classification Criteria Version 2. Collection method: clinical testing. Allele origin: germline. Affected: yes. Observed: 1 variant allele.
Comment: SYNE1: BP4, BP7

Athena Diagnostics
Classification: Likely benign. Last evaluated: 2023-11-30. Review status: criteria provided, single submitter. Criteria: Athena Diagnostics Criteria. Collection method: clinical testing. Allele origin: unknown.

GeneDx
Classification: Likely benign. Last evaluated: 2018-04-09. Review status: criteria provided, single submitter. Criteria: GeneDx Variant Classification (06012015). Collection method: clinical testing. Allele origin: germline. Affected: yes.
Comment: This variant is considered likely benign or benign based on one or more of the following criteria: it is a conservative change, it occurs at a poorly conserved position in the protein, it is predicted to be benign by multiple in silico algorithms, and/or has population frequency not consistent with disease.

Literature cited by the submitters: PubMed 27869121 (cited by Athena Diagnostics).

NM_182961.4(SYNE1):c.15505C>T (p.Leu5169=)

Gene: SYNE1 (spectrin repeat containing nuclear envelope protein 1; minus strand). Cytogenetic location: 6q25.2.
Variant type: single nucleotide variant.
Coding change: c.15505C>T on transcript NM_182961.4 (MANE Select); coding-DNA position 15505, C replaced by T.
Protein change: p.Leu5169=; no amino-acid change (leucine 5169 retained).
Molecular consequence: synonymous variant.
Genome position (GRCh38, 1-based): chr6:152,325,236, G>A on the plus strand (C>T on the coding strand, the complement: SYNE1 is on the minus strand). VCF-style: chr6-152325236-G-A. GRCh37 (hg19) VCF-style: chr6-152646371-G-A.
Other names: c.15505C>T (NM_182961.2); c.15292C>T, p.Leu5098= (NM_033071.5).
Identifiers: ClinVar variation 681566 (VCV000681566.26), dbSNP rs372205287, ClinGen allele CA4055765.